The following is an entry in ClinVar:

ClinVar aggregate classification (germline): Uncertain significance. Review status: criteria provided, multiple submitters, no conflicts (2 of 4 stars). 2 submissions from 2 submitters: Uncertain significance (2). Last evaluated 2024-09-17.

Conditions:
Hereditary cancer-predisposing syndrome. Also called: Hereditary Cancer Syndrome; Neoplastic Syndromes, Hereditary; Tumor predisposition; Hereditary neoplastic syndrome. Identifiers: Orphanet 140162, MedGen C0027672, MeSH D009386, MONDO:0015356.
Multiple endocrine neoplasia, type 2 (MEN2). Identifiers: Orphanet 653, MedGen C4048306, MONDO:0019003. Disease mechanism: gain of function.

Submissions (2):

Ambry Genetics
Classification: Uncertain significance for Hereditary cancer-predisposing syndrome. Last evaluated: 2024-09-17. Review status: criteria provided, single submitter. Criteria: Ambry Variant Classification Scheme 2023. Collection method: clinical testing. Allele origin: germline.
Comment: The p.E527K variant (also known as c.1579G>A), located in coding exon 8 of the RET gene, results from a G to A substitution at nucleotide position 1579. The glutamic acid at codon 527 is replaced by lysine, an amino acid with similar properties. This amino acid position is well conserved in available vertebrate species. In addition, this alteration is predicted to be deleterious by in silico analysis. Based on the available evidence, the clinical significance of this variant remains unclear.

Labcorp Genetics (formerly Invitae), Labcorp
Classification: Uncertain significance for Multiple endocrine neoplasia, type 2. Last evaluated: 2023-05-20. Review status: criteria provided, single submitter. Criteria: Invitae Variant Classification Sherloc (09022015). Collection method: clinical testing. Allele origin: germline.
Comment: In summary, the available evidence is currently insufficient to determine the role of this variant in disease. Therefore, it has been classified as a Variant of Uncertain Significance. An algorithm developed to predict the effect of missense changes on protein structure and function (PolyPhen-2) suggests that this variant is likely to be tolerated. ClinVar contains an entry for this variant (Variation ID: 1021065). This variant has not been reported in the literature in individuals affected with RET-related conditions. This variant is not present in population databases (gnomAD no frequency). This sequence change replaces glutamic acid, which is acidic and polar, with lysine, which is basic and polar, at codon 527 of the RET protein (p.Glu527Lys).

NM_020975.6(RET):c.1579G>A (p.Glu527Lys)

Gene: RET (ret proto-oncogene; plus strand). Cytogenetic location: 10q11.21.
Variant type: single nucleotide variant.
Coding change: c.1579G>A on transcript NM_020975.6 (MANE Select); coding-DNA position 1579, G replaced by A.
Protein change: p.Glu527Lys; replaces glutamic acid 527 with lysine.
Molecular consequence: missense variant.
Genome position (GRCh38, 1-based): chr10:43,112,155, G>A. VCF-style: chr10-43112155-G-A. GRCh37 (hg19) VCF-style: chr10-43607603-G-A.
Other names: c.1579G>A, p.Glu527Lys (NM_000323.2, NM_001406743.1, NM_001406744.1 and 6 more transcripts); c.817G>A, p.Glu273Lys (NM_001355216.2); c.1450G>A, p.Glu484Lys (NM_001406761.1, NM_001406762.1, NM_001406764.1 and 1 more transcripts); c.1291G>A, p.Glu431Lys (NM_001406766.1, NM_001406767.1, NM_001406770.1); c.1183G>A, p.Glu395Lys (NM_001406769.1, NM_001406772.1); c.1141G>A, p.Glu381Lys (NM_001406771.1, NM_001406773.1); c.1054G>A, p.Glu352Lys (NM_001406774.1); c.853G>A, p.Glu285Lys (NM_001406775.1, NM_001406776.1, NM_001406777.1 and 1 more transcripts); and 5 more; short protein forms E273K, E527K, E185K, E197K, E381K, E395K, E132K, E484K.
Identifiers: ClinVar variation 1021065 (VCV001021065.10), dbSNP rs1837951863, ClinGen allele CA376550468.